The following is an entry in ClinVar:

NM_000059.4(BRCA2):c.7599T>C (p.Ser2533=)

Gene: BRCA2 (BRCA2 DNA repair associated; plus strand). Cytogenetic location: 13q13.1.
Variant type: single nucleotide variant.
Coding change: c.7599T>C on transcript NM_000059.4 (MANE Select); coding-DNA position 7599, T replaced by C.
Protein change: p.Ser2533=; no amino-acid change (serine 2533 retained).
Molecular consequence: synonymous variant.
Genome position (GRCh38, 1-based): chr13:32,356,591, T>C. VCF-style: chr13-32356591-T-C. GRCh37 (hg19) VCF-style: chr13-32930728-T-C.
Identifiers: ClinVar variation 427373 (VCV000427373.4), dbSNP rs1131692108, ClinGen allele CA483260455.

ClinVar aggregate classification (germline): Likely benign. Review status: reviewed by expert panel (3 of 4 stars). 2 submissions from 2 submitters: Likely benign (1). 1 of the submissions does not count toward it. Last evaluated 2017-06-29.

Conditions:
Hereditary cancer-predisposing syndrome. Also called: Hereditary neoplastic syndrome; Hereditary Cancer Syndrome; Neoplastic Syndromes, Hereditary; Tumor predisposition. Identifiers: Orphanet 140162, MedGen C0027672, MeSH D009386, MONDO:0015356.
Breast-ovarian cancer, familial, susceptibility to, 2 (BROVCA2). Also called: BRCA2 Hereditary Breast and Ovarian Cancer. Identifiers: Orphanet 145, MedGen C2675520, MONDO:0012933, OMIM 612555. Disease mechanism: loss of function.

Submissions (2):

Evidence-based Network for the Interpretation of Germline Mutant Alleles (ENIGMA)
Classification: Likely benign for Breast-ovarian cancer, familial, susceptibility to, 2. Last evaluated: 2017-06-29. Review status: reviewed by expert panel. Criteria: ENIGMA BRCA1/2 Classification Criteria (2017-06-29). Collection method: curation. Allele origin: germline.
Comment: Synonymous substitution variant, with low bioinformatic likelihood to result in a splicing aberration (Splicing prior probability 0.02).

Ambry Genetics
Classification: Likely benign for Hereditary cancer-predisposing syndrome. Last evaluated: 2023-10-25. Review status: criteria provided, single submitter. Criteria: Ambry Variant Classification Scheme 2023. Collection method: clinical testing. Allele origin: germline. Not counted in ClinVar's aggregate classification.